The following is an entry in ClinVar:

NM_006648.4(WNK2):c.5902A>G (p.Lys1968Glu)

Gene: WNK2 (WNK lysine deficient protein kinase 2; plus strand). Cytogenetic location: 9q22.31.
Variant type: single nucleotide variant.
Coding change: c.5902A>G on transcript NM_006648.4 (MANE Select); coding-DNA position 5902, A replaced by G.
Protein change: p.Lys1968Glu; replaces lysine 1968 with glutamic acid.
Molecular consequence: missense variant.
Genome position (GRCh38, 1-based): chr9:93,298,046, A>G. VCF-style: chr9-93298046-A-G. GRCh37 (hg19) VCF-style: chr9-96060328-A-G.
Other names: c.6013A>G, p.Lys2005Glu (NM_001282394.3); short protein forms K2005E, K1968E.
Identifiers: ClinVar variation 3817271 (VCV003817271.1).

ClinVar aggregate classification (germline): Uncertain significance (1 of 4 stars; one submission).

Submission:

Ambry Genetics
Classification: Uncertain significance. Last evaluated: 2025-03-12. Review status: criteria provided, single submitter. Criteria: Ambry Variant Classification Scheme 2023. Collection method: clinical testing. Allele origin: germline.
Comment: The p.K1968E variant (also known as c.5902A>G), located in coding exon 23 of the WNK2 gene, results from an A to G substitution at nucleotide position 5902. The lysine at codon 1968 is replaced by glutamic acid, an amino acid with similar properties. This amino acid position is conserved. In addition, the in silico prediction for this alteration is inconclusive. Based on the available evidence, the clinical significance of this variant remains unclear.